The following is an entry in ClinVar:

NM_030962.4(SBF2):c.2122T>C (p.Tyr708His)

Genes: SBF2 (SET binding factor 2; minus strand), LOC101928008 (uncharacterized LOC101928008; plus strand). Cytogenetic location: 11p15.4.
Variant type: single nucleotide variant.
Coding change: c.2122T>C on transcript NM_030962.4 (MANE Select); coding-DNA position 2122, T replaced by C.
Protein change: p.Tyr708His; replaces tyrosine 708 with histidine.
Molecular consequence: missense variant.
Genome position (GRCh38, 1-based): chr11:9,856,699, A>G on the plus strand (T>C on the coding strand, the complement: SBF2 is on the minus strand). VCF-style: chr11-9856699-A-G. GRCh37 (hg19) VCF-style: chr11-9878246-A-G.
Other names: c.2122T>C, p.Tyr708His (NM_001386339.1); c.1993T>C, p.Tyr665His (NM_001386342.1); short protein forms Y708H, Y665H.
Identifiers: ClinVar variation 943379 (VCV000943379.9), dbSNP rs368259453, ClinGen allele CA5881621.

ClinVar aggregate classification (germline): Uncertain significance. Review status: criteria provided, multiple submitters, no conflicts (2 of 4 stars). 2 submissions from 2 submitters: Uncertain significance (2). Last evaluated 2026-05-01.

Conditions:
Charcot-Marie-Tooth disease type 4. Also called: Charcot-Marie-Tooth disease, type IV; Charcot-Marie-Tooth, Type 4. Identifiers: Orphanet 64749, MedGen C4082197, MONDO:0018995.

Allele frequency attached by ClinVar (database versions not stated): gnomAD exomes 0.00001 and 0.00002; ExAC 0.00002; gnomAD 0.00002; TOPMed 0.00002; ESP Exome Variant Server 0.00008.
gnomAD v4.1: 16 of 1,613,858 alleles (0.00099%); highest among the groups gnomAD compares: African/African-American, 0.0027%; no homozygotes.

Submissions (2):

CeGaT Center for Human Genetics Tuebingen
Classification: Uncertain significance. Last evaluated: 2026-05-01. Review status: criteria provided, single submitter. Criteria: CeGaT Center For Human Genetics Tuebingen Variant Classification Criteria Version 2. Collection method: clinical testing. Allele origin: germline. Affected: yes. Observed: 1 variant allele.
Comment: SBF2: PM2, BP4

Labcorp Genetics (formerly Invitae), Labcorp
Classification: Uncertain significance for Charcot-Marie-Tooth disease type 4. Last evaluated: 2021-08-30. Review status: criteria provided, single submitter. Criteria: Invitae Variant Classification Sherloc (09022015). Collection method: clinical testing. Allele origin: germline.
Comment: This sequence change replaces tyrosine with histidine at codon 708 of the SBF2 protein (p.Tyr708His). The tyrosine residue is weakly conserved and there is a moderate physicochemical difference between tyrosine and histidine. This variant is present in population databases (rs368259453, ExAC 0.003%). This variant has not been reported in the literature in individuals affected with SBF2-related conditions. Algorithms developed to predict the effect of missense changes on protein structure and function output the following: SIFT: "Tolerated"; PolyPhen-2: "Benign"; Align-GVGD: "Class C0". The histidine amino acid residue is found in multiple mammalian species, which suggests that this missense change does not adversely affect protein function. In summary, the available evidence is currently insufficient to determine the role of this variant in disease. Therefore, it has been classified as a Variant of Uncertain Significance.